The following is an entry in ClinVar:

NM_000443.4(ABCB4):c.3737A>C (p.Gln1246Pro)

Gene: ABCB4 (ATP binding cassette subfamily B member 4; minus strand). Cytogenetic location: 7q21.12.
Variant type: single nucleotide variant.
Coding change: c.3737A>C on transcript NM_000443.4 (MANE Select); coding-DNA position 3737, A replaced by C.
Protein change: p.Gln1246Pro; replaces glutamine 1246 with proline.
Molecular consequence: missense variant.
Genome position (GRCh38, 1-based): chr7:87,402,199, T>G on the plus strand (A>C on the coding strand, the complement: ABCB4 is on the minus strand). VCF-style: chr7-87402199-T-G. GRCh37 (hg19) VCF-style: chr7-87031515-T-G.
Other names: c.3758A>C, p.Gln1253Pro (NM_018849.3); c.3596A>C, p.Gln1199Pro (NM_018850.3); short protein forms Q1199P, Q1253P, Q1246P.
Identifiers: ClinVar variation 2584796 (VCV002584796.1), dbSNP rs2546735713, ClinGen allele CA368056773.

ClinVar aggregate classification (germline): Uncertain significance (1 of 4 stars; one submission).

Conditions:
Progressive familial intrahepatic cholestasis type 3. Also called: MDR3 DEFICIENCY; Low Gamma-GT Familial Intrahepatic Cholestasis. Identifiers: Orphanet 79305, MedGen C1865643, MONDO:0011214, OMIM 602347.

Allele frequency attached by ClinVar (database versions not stated): gnomAD exomes below 0.00001.
gnomAD v4.1: 1 of 1,614,154 alleles (0.000062%); highest among the groups gnomAD compares: South Asian, 0.0011%; no homozygotes.

Submission:

Neuberg Centre For Genomic Medicine, NCGM
Classification: Uncertain significance for Progressive familial intrahepatic cholestasis type 3. Review status: criteria provided, single submitter. Criteria: ACMG Guidelines, 2015. Collection method: clinical testing. Allele origin: germline. Inheritance: Autosomal recessive inheritance. Affected: yes.
Comment: The c.3737A>C (p.Gln1246Pro) missense variant in ABCB4 gene has not been reported previously as a pathogenic variant nor as a benign variant, to our knowledge. The p.Gln1246Pro variant is novel (not in any individuals) in gnomAD Exomes and 1000 Genomes. The amino acid Gln at position 1246 is changed to a Pro changing protein sequence and it might alter its composition and physico-chemical properties. The amino acid change p.Gln1246Pro in ABCB4 is predicted as conserved by GERP++ and PhyloP across 100 vertebrates. For these reasons, this variant has been classified as Variant of Uncertain Significance (VUS).